The following is an entry in ClinVar:

NM_133510.4(RAD51B):c.427A>G (p.Thr143Ala)

Gene: RAD51B (RAD51 paralog B; plus strand). Cytogenetic location: 14q24.1.
Variant type: single nucleotide variant.
Coding change: c.427A>G on transcript NM_133510.4 (MANE Select); coding-DNA position 427, A replaced by G.
Protein change: p.Thr143Ala; replaces threonine 143 with alanine.
Molecular consequence: missense variant.
Genome position (GRCh38, 1-based): chr14:67,865,114, A>G. VCF-style: chr14-67865114-A-G. GRCh37 (hg19) VCF-style: chr14-68331831-A-G.
Other names: c.427A>G, p.Thr143Ala (NM_001321809.2, NM_001321810.2, NM_001321812.1 and 6 more transcripts); c.313A>G, p.Thr105Ala (NM_001321815.1); c.70A>G, p.Thr24Ala (NM_001321817.2); short protein forms T24A, T105A, T143A.
Identifiers: ClinVar variation 5027797 (VCV005027797.1).

ClinVar aggregate classification (germline): Uncertain significance (1 of 4 stars; one submission).

Submission:

Ambry Genetics
Classification: Uncertain significance. Last evaluated: 2026-09-07. Review status: criteria provided, single submitter. Criteria: Ambry Variant Classification Scheme 2023. Collection method: clinical testing. Allele origin: germline.
Comment: The p.T143A variant (also known as c.427A>G), located in coding exon 4 of the RAD51B gene, results from an A to G substitution at nucleotide position 427. The threonine at codon 143 is replaced by alanine, an amino acid with similar properties. This amino acid position is conserved. In addition, the in silico prediction for this alteration is inconclusive. Based on the available evidence, the clinical significance of this variant remains unclear.